The following is an entry in ClinVar:

ClinVar aggregate classification (germline): Uncertain significance (1 of 4 stars; one submission).

Allele frequency attached by ClinVar (database versions not stated): gnomAD exomes below 0.00001.
gnomAD v4.1: 1 of 1,612,540 alleles (0.000062%); highest among the groups gnomAD compares: East Asian, 0.0022%; no homozygotes.

Submission:

Labcorp Genetics (formerly Invitae), Labcorp
Classification: Uncertain significance. Last evaluated: 2021-12-23. Review status: criteria provided, single submitter. Criteria: Invitae Variant Classification Sherloc (09022015). Collection method: clinical testing. Allele origin: germline.
Comment: This sequence change replaces valine, which is neutral and non-polar, with isoleucine, which is neutral and non-polar, at codon 2091 of the CDH23 protein (p.Val2091Ile). This variant is not present in population databases (gnomAD no frequency). This variant has not been reported in the literature in individuals affected with CDH23-related conditions. Algorithms developed to predict the effect of missense changes on protein structure and function output the following: SIFT: "Tolerated"; PolyPhen-2: "Not Available"; Align-GVGD: "Class C0". The isoleucine amino acid residue is found in multiple mammalian species, which suggests that this missense change does not adversely affect protein function. In summary, the available evidence is currently insufficient to determine the role of this variant in disease. Therefore, it has been classified as a Variant of Uncertain Significance.

NM_022124.6(CDH23):c.6271G>A (p.Val2091Ile)

Gene: CDH23 (cadherin related 23; plus strand). Cytogenetic location: 10q22.1.
Variant type: single nucleotide variant.
Coding change: c.6271G>A on transcript NM_022124.6 (MANE Select); coding-DNA position 6271, G replaced by A.
Protein change: p.Val2091Ile; replaces valine 2091 with isoleucine.
Molecular consequence: missense variant.
Genome position (GRCh38, 1-based): chr10:71,793,199, G>A. VCF-style: chr10-71793199-G-A. GRCh37 (hg19) VCF-style: chr10-73552956-G-A.
Other names: short protein forms V2091I.
Identifiers: ClinVar variation 2056358 (VCV002056358.1), dbSNP rs2132953267, ClinGen allele CA377153947.